The following is an entry in ClinVar:

NM_005912.3(MC4R):c.594C>T (p.Ile198=)

Gene: MC4R (melanocortin 4 receptor; minus strand). Cytogenetic location: 18q21.32.
Variant type: single nucleotide variant.
Coding change: c.594C>T on transcript NM_005912.3 (MANE Select); coding-DNA position 594, C replaced by T.
Protein change: p.Ile198=; no amino-acid change (isoleucine 198 retained).
Molecular consequence: synonymous variant.
Genome position (GRCh38, 1-based): chr18:60,371,756, G>A on the plus strand (C>T on the coding strand, the complement: MC4R is on the minus strand). VCF-style: chr18-60371756-G-A. GRCh37 (hg19) VCF-style: chr18-58038989-G-A.
Identifiers: ClinVar variation 259890 (VCV000259890.19), dbSNP rs61741819, ClinGen allele CA8980885.

ClinVar aggregate classification (germline): Benign/Likely benign. Review status: criteria provided, multiple submitters, no conflicts (2 of 4 stars). 6 submissions from 6 submitters: Benign (5); Likely benign (1). Last evaluated 2025-12-23.

Conditions:
Obesity. Also called: Obesity disorder. Identifiers: Orphanet 71529, MedGen C0028754, MeSH D009765, MONDO:0011122, HP:0001513.

Allele frequency attached by ClinVar (database versions not stated): gnomAD exomes 0.00128 and 0.00316; ExAC 0.00368; ESP Exome Variant Server 0.01061; gnomAD 0.01121 and 0.01187; TOPMed 0.01226; 1000 Genomes Project 0.01278; 1000 Genomes Project 30x 0.01499.

Submissions (6):

Labcorp Genetics (formerly Invitae), Labcorp
Classification: Benign. Last evaluated: 2025-12-23. Review status: criteria provided, single submitter. Criteria: Invitae Variant Classification Sherloc (09022015). Collection method: clinical testing. Allele origin: germline.

Women's Health and Genetics/Laboratory Corporation of America, LabCorp
Classification: Likely benign. Last evaluated: 2024-12-06. Review status: criteria provided, single submitter. Criteria: LabCorp Variant Classification Summary - May 2015. Collection method: clinical testing. Allele origin: germline.

Illumina Laboratory Services, Illumina
Classification: Benign for Inherited obesity. Last evaluated: 2018-01-12. Review status: criteria provided, single submitter. Criteria: ICSL Variant Classification Criteria 13 December 2019. Collection method: clinical testing. Allele origin: germline.
Comment: This variant was observed in the ICSL laboratory as part of a predisposition screen in an ostensibly healthy population. It had not been previously curated by ICSL or reported in the Human Gene Mutation Database (HGMD: prior to June 1st, 2018), and was therefore a candidate for classification through an automated scoring system. Utilizing variant allele frequency, disease prevalence and penetrance estimates, and inheritance mode, an automated score was calculated to assess if this variant is too frequent to cause the disease. Based on the score and internal cut-off values, a variant classified as benign is not then subjected to further curation. The score for this variant resulted in a classification of benign for this disease.

Athena Diagnostics
Classification: Benign. Last evaluated: 2017-09-28. Review status: criteria provided, single submitter. Criteria: Athena Diagnostics Criteria. Collection method: clinical testing. Allele origin: germline.

Breakthrough Genomics
Classification: Benign. Review status: criteria provided, single submitter. Criteria: ACMG Guidelines, 2015. Collection method: not provided. Allele origin: germline. Inheritance: Autosomal dominant inheritance. Affected: yes.

PreventionGenetics, part of Exact Sciences
Classification: Benign. Review status: criteria provided, single submitter. Criteria: ACMG Guidelines, 2015. Collection method: clinical testing. Allele origin: germline.

Literature cited by the submitters: PubMed 16469222 (cited by Women's Health and Genetics/Laboratory Corporation of America, LabCorp and Athena Diagnostics); PubMed 17286227 (cited by Women's Health and Genetics/Laboratory Corporation of America, LabCorp and Athena Diagnostics); PubMed 20966905 (cited by Women's Health and Genetics/Laboratory Corporation of America, LabCorp and Athena Diagnostics); PubMed 19301229 (cited by Women's Health and Genetics/Laboratory Corporation of America, LabCorp and Athena Diagnostics); PubMed 19011902 (cited by Women's Health and Genetics/Laboratory Corporation of America, LabCorp and Athena Diagnostics); PubMed 20975296 (cited by Women's Health and Genetics/Laboratory Corporation of America, LabCorp and Athena Diagnostics); PubMed 16492696 (cited by Athena Diagnostics); PubMed 26782456 (cited by Athena Diagnostics); PubMed 26788538 (cited by Athena Diagnostics).